The following is an entry in ClinVar:

NM_000535.7(PMS2):c.804-1G>T

Gene: PMS2 (PMS1 homolog 2, mismatch repair system component; minus strand). Cytogenetic location: 7p22.1.
Variant type: single nucleotide variant.
Coding change: c.804-1G>T on transcript NM_000535.7 (MANE Select); the canonical splice acceptor site of the intron before coding-DNA position 804, G replaced by T.
Molecular consequence: splice acceptor variant. On other transcripts: intron variant (4).
Genome position (GRCh38, 1-based): chr7:5,995,634, C>A on the plus strand (G>T on the coding strand, the complement: PMS2 is on the minus strand). VCF-style: chr7-5995634-C-A. GRCh37 (hg19) VCF-style: chr7-6035265-C-A.
Other names: c.486-1G>T (NM_001322008.2, NM_001406902.1, NM_001406883.1 and 4 more transcripts); c.495-1G>T (NM_001406881.1, NM_001406879.1, NM_001322015.2 and 6 more transcripts); c.399-1G>T (NM_001406895.1, NM_001322010.2, NM_001322004.2 and 19 more transcripts); c.133-3577G>T (NM_001406911.1); c.291-1G>T (NM_001406904.1, NM_001406905.1); c.231-1G>T (NM_001322013.2, NM_001406909.1); c.-130-1G>T (NM_001322012.2, NM_001322011.2); c.468-1G>T (NM_001406885.1); and 8 more.
Identifiers: ClinVar variation 1761767 (VCV001761767.6), dbSNP rs1562664845, ClinGen allele CA366743587.
Genomic context (GRCh38, chr7:5,995,634, plus strand): 5'-TGTCTGTCTGTTGAACTCCTTCCAACTCCATGCGTGCATTGTGAAATGAAACCTGAGATG[C>A]TATTCAACATTAATATGGTAAGGGCAGGATTCCAGAGTGAAAGGGATTAGAAATACGATC-3'

ClinVar aggregate classification (germline): Pathogenic/Likely pathogenic. Review status: criteria provided, multiple submitters, no conflicts (2 of 4 stars). 3 submissions from 3 submitters: Pathogenic (2); Likely pathogenic (1). Last evaluated 2023-09-19.

Conditions:
Hereditary nonpolyposis colorectal neoplasms. Identifiers: MedGen C0009405, MeSH D003123.
Hereditary cancer-predisposing syndrome. Also called: Neoplastic Syndromes, Hereditary; Tumor predisposition; Hereditary Cancer Syndrome; Hereditary neoplastic syndrome. Identifiers: Orphanet 140162, MedGen C0027672, MeSH D009386, MONDO:0015356.
Lynch syndrome 4 (LYNCH4). Also called: Colorectal cancer, hereditary nonpolyposis, type 4; Hereditary non-polyposis colorectal cancer, type 4. Identifiers: Orphanet 144, MedGen C1838333, MONDO:0013699, OMIM 614337. Disease mechanism: loss of function.

Submissions (3):

Myriad Genetics, Inc.
Classification: Likely pathogenic for Lynch syndrome 4. Last evaluated: 2023-09-19. Review status: criteria provided, single submitter. Criteria: Myriad Autosomal Dominant, Autosomal Recessive and X-Linked Classification Criteria (2023). Collection method: clinical testing. Allele origin: unknown.
Comment: This variant is considered likely pathogenic. This variant occurs within a consensus splice junction and is predicted to result in abnormal mRNA splicing of either an out-of-frame exon or an in-frame exon necessary for protein stability and/or normal function.

Labcorp Genetics (formerly Invitae), Labcorp
Classification: Pathogenic for Hereditary nonpolyposis colorectal neoplasms. Last evaluated: 2023-01-13. Review status: criteria provided, single submitter. Criteria: Invitae Variant Classification Sherloc (09022015). Collection method: clinical testing. Allele origin: germline.
Comment: Algorithms developed to predict the effect of sequence changes on RNA splicing suggest that this variant may disrupt the consensus splice site. ClinVar contains an entry for this variant (Variation ID: 1761767). Disruption of this splice site has been observed in individual(s) with clinical features of constitutional mismatch repair deficiency syndrome and/or clinical features of Lynch syndrome (PMID: 19156169, 28874130). It has also been observed to segregate with disease in related individuals. This variant is not present in population databases (gnomAD no frequency). This sequence change affects an acceptor splice site in intron 7 of the PMS2 gene. It is expected to disrupt RNA splicing. Variants that disrupt the donor or acceptor splice site typically lead to a loss of protein function (PMID: 16199547), and loss-of-function variants in PMS2 are known to be pathogenic (PMID: 21376568, 24362816). For these reasons, this variant has been classified as Pathogenic.

Ambry Genetics
Classification: Pathogenic for Hereditary cancer-predisposing syndrome. Last evaluated: 2021-03-08. Review status: criteria provided, single submitter. Criteria: Ambry Variant Classification Scheme 2023. Collection method: clinical testing. Allele origin: germline.
Comment: The c.804-1G>T intronic pathogenic mutation results from a G to T substitution one nucleotide upstream from coding exon 8 of the PMS2 gene. This mutation has been reported in a Columbian family who met Amsterdam II criteria and/or Bethesda guidelines (Rossi BM et al. BMC Cancer, 2017 Sep;17:623). Another alteration impacting the same acceptor site (c.804-2A>G) has been identified in trans with another PMS2 mutation in an individual with CMMRD whose colon tumor and normal tissue both demonstrated microsatellite instability; This variant was not reported in population-based cohorts in the Genome Aggregation Database (gnomAD). In silico splice site analysis predicts that this alteration will weaken the native splice acceptor site and will result in the creation or strengthening of a novel splice acceptor site. In addition to the clinical data presented in the literature, alterations that disrupt the canonical splice site are expected to cause aberrant splicing, resulting in an abnormal protein or a transcript that is subject to nonsense-mediated mRNA decay. Based on the supporting evidence, this alteration is interpreted as a disease-causing mutation.

Literature cited by the submitters: PubMed 19156169 (cited by Labcorp Genetics (formerly Invitae), Labcorp); PubMed 28874130 (cited by Labcorp Genetics (formerly Invitae), Labcorp and Ambry Genetics); PubMed 16199547 (cited by Labcorp Genetics (formerly Invitae), Labcorp); PubMed 21376568 (cited by Labcorp Genetics (formerly Invitae), Labcorp); PubMed 24362816 (cited by Labcorp Genetics (formerly Invitae), Labcorp).